The following is an entry in ClinVar:

ClinVar aggregate classification (germline): Benign. Review status: criteria provided, single submitter (1 of 4 stars). 2 submissions from 2 submitters: Benign (1). 1 of the submissions does not count toward it. Last evaluated 2024-10-25.

Conditions:
ADAMTS9-related disorder. Also called: ADAMTS9-related condition.

Allele frequency attached by ClinVar (database versions not stated): ESP Exome Variant Server 0.00008; TOPMed 0.00015; gnomAD 0.00089; gnomAD exomes 0.00124; ExAC 0.00267; 1000 Genomes Project 30x 0.00656; 1000 Genomes Project 0.00699.
gnomAD v4.1: 1,955 of 1,613,834 alleles (0.12%); highest among the groups gnomAD compares: South Asian, 2%; 37 homozygotes.

Submissions (2):

Labcorp Genetics (formerly Invitae), Labcorp
Classification: Benign. Last evaluated: 2024-10-25. Review status: criteria provided, single submitter. Criteria: Invitae Variant Classification Sherloc (09022015). Collection method: clinical testing. Allele origin: germline.

PreventionGenetics, part of Exact Sciences
Classification: Benign for ADAMTS9-related condition. Last evaluated: 2020-01-07. Review status: no assertion criteria provided. Collection method: clinical testing. Allele origin: germline. Not counted in ClinVar's aggregate classification.
Comment: This variant is classified as benign based on ACMG/AMP sequence variant interpretation guidelines (Richards et al. 2015 PMID: 25741868, with internal and published modifications).

NM_182920.2(ADAMTS9):c.819G>A (p.Thr273=)

Gene: ADAMTS9 (ADAM metallopeptidase with thrombospondin type 1 motif 9; minus strand). Cytogenetic location: 3p14.1.
Variant type: single nucleotide variant.
Coding change: c.819G>A on transcript NM_182920.2 (MANE Select); coding-DNA position 819, G replaced by A.
Protein change: p.Thr273=; no amino-acid change (threonine 273 retained).
Molecular consequence: synonymous variant.
Genome position (GRCh38, 1-based): chr3:64,658,652, C>T on the plus strand (G>A on the coding strand, the complement: ADAMTS9 is on the minus strand). VCF-style: chr3-64658652-C-T. GRCh37 (hg19) VCF-style: chr3-64644328-C-T.
Other names: c.819G>A (NM_182920.1); c.819G>A, p.Thr273= (NM_001318781.2).
Identifiers: ClinVar variation 2144760 (VCV002144760.6), dbSNP rs373657194, ClinGen allele CA2481763.